The following is an entry in ClinVar:

ClinVar aggregate classification (germline): Benign (1 of 4 stars; one submission).

Conditions:
Familial juvenile hyperuricemic nephropathy type 1 (ADTKD1). Also called: Glomerulocystic kidney disease with hyperuricemia and isosthenuria; Medullary cystic kidney disease 2; Autosomal Dominant Tubulointerstitial Kidney Disease – UMOD; UMOD-Associated Kidney Disease; Uromodulin-associated kidney disease. Identifiers: Orphanet 209886, Orphanet 34149, Orphanet 88950, MedGen C4551496, MONDO:0008073, OMIM 162000.

Allele frequency attached by ClinVar (database versions not stated): gnomAD 0.00171 and 0.00187; 1000 Genomes Project 0.00120; TOPMed 0.00193; 1000 Genomes Project 30x 0.00141.

Submission:

Illumina Laboratory Services, Illumina
Classification: Benign for UMOD-Associated Kidney Disease. Last evaluated: 2018-01-13. Review status: criteria provided, single submitter. Criteria: ICSL Variant Classification Criteria 13 December 2019. Collection method: clinical testing. Allele origin: germline.
Comment: This variant was observed in the ICSL laboratory as part of a predisposition screen in an ostensibly healthy population. It had not been previously curated by ICSL or reported in the Human Gene Mutation Database (HGMD: prior to June 1st, 2018), and was therefore a candidate for classification through an automated scoring system. Utilizing variant allele frequency, disease prevalence and penetrance estimates, and inheritance mode, an automated score was calculated to assess if this variant is too frequent to cause the disease. Based on the score and internal cut-off values, a variant classified as benign is not then subjected to further curation. The score for this variant resulted in a classification of benign for this disease.

NM_003361.3(UMOD):c.-159G>A

Gene: UMOD (uromodulin; minus strand). Cytogenetic location: 16p12.3.
Variant type: single nucleotide variant.
Coding change: c.-159G>A on transcript NM_003361.3; 159 bases upstream of the start codon, G replaced by A.
Genome position (GRCh38, 1-based): chr16:20,352,745, C>T on the plus strand (G>A on the coding strand, the complement: UMOD is on the minus strand). VCF-style: chr16-20352745-C-T. GRCh37 (hg19) VCF-style: chr16-20364067-C-T.
Identifiers: ClinVar variation 885577 (VCV000885577.8), dbSNP rs138793302, ClinGen allele CA279253321.
Genomic context (GRCh38, chr16:20,352,745, plus strand): 5'-TTACCTGAAGCCAGAAAGGTAGAGTTAGTCTGGTCATGATGTGCCTCATACTTATATATA[C>T]ACATTTGCCCCAGGCTGGCAATCTCTCCTCCAATTAGTCTCTAGTTCTGTTTTTTGATAT-3'